The following is an entry in ClinVar:

ClinVar aggregate classification (germline): Uncertain significance (1 of 4 stars; one submission).

gnomAD v4.1: 11 of 1,614,152 alleles (0.00068%); highest among the groups gnomAD compares: South Asian, 0.011%; 1 homozygote.

Submission:

CeGaT Center for Human Genetics Tuebingen
Classification: Uncertain significance. Last evaluated: 2026-01-01. Review status: criteria provided, single submitter. Criteria: CeGaT Center For Human Genetics Tuebingen Variant Classification Criteria Version 2. Collection method: clinical testing. Allele origin: germline. Affected: yes. Observed: 1 variant allele.
Comment: MAP1B: PM2, BP4

NM_005909.5(MAP1B):c.4048A>G (p.Thr1350Ala)

Gene: MAP1B (microtubule associated protein 1B; plus strand). Cytogenetic location: 5q13.2.
Variant type: single nucleotide variant.
Coding change: c.4048A>G on transcript NM_005909.5 (MANE Select); coding-DNA position 4048, A replaced by G.
Protein change: p.Thr1350Ala; replaces threonine 1350 with alanine.
Molecular consequence: missense variant.
Genome position (GRCh38, 1-based): chr5:72,197,403, A>G. VCF-style: chr5-72197403-A-G. GRCh37 (hg19) VCF-style: chr5-71493230-A-G.
Other names: c.3670A>G, p.Thr1224Ala (NM_001324255.2); short protein forms T1224A, T1350A.
Identifiers: ClinVar variation 4821949 (VCV004821949.4).